The following is an entry in ClinVar:

ClinVar aggregate classification (germline): Uncertain significance (1 of 4 stars; one submission).

Conditions:
Inborn genetic diseases. Identifiers: MedGen C0950123, MeSH D030342.

Allele frequency attached by ClinVar (database versions not stated): ExAC 0.00001; gnomAD 0.00001; gnomAD exomes 0.00001.
gnomAD v4.1: 23 of 1,613,898 alleles (0.0014%); highest among the groups gnomAD compares: Non-Finnish European, 0.0017%; 1 homozygote.

Submission:

Ambry Genetics
Classification: Uncertain significance for Inborn genetic diseases. Last evaluated: 2023-11-24. Review status: criteria provided, single submitter. Criteria: Ambry Variant Classification Scheme 2023. Collection method: clinical testing. Allele origin: germline.
Comment: The p.I630F variant (also known as c.1888A>T), located in coding exon 16 of the LRRK2 gene, results from an A to T substitution at nucleotide position 1888. The isoleucine at codon 630 is replaced by phenylalanine, an amino acid with highly similar properties. This amino acid position is conserved. In addition, this alteration is predicted to be tolerated by in silico analysis. Since supporting evidence is limited at this time, the clinical significance of this alteration remains unclear.

NM_198578.4(LRRK2):c.1888A>T (p.Ile630Phe)

Gene: LRRK2 (leucine rich repeat kinase 2; plus strand). Cytogenetic location: 12q12.
Variant type: single nucleotide variant.
Coding change: c.1888A>T on transcript NM_198578.4 (MANE Select); coding-DNA position 1888, A replaced by T.
Protein change: p.Ile630Phe; replaces isoleucine 630 with phenylalanine.
Molecular consequence: missense variant.
Genome position (GRCh38, 1-based): chr12:40,274,940, A>T. VCF-style: chr12-40274940-A-T. GRCh37 (hg19) VCF-style: chr12-40668742-A-T.
Other names: short protein forms I630F.
Identifiers: ClinVar variation 1782008 (VCV001782008.2), dbSNP rs746566936, ClinGen allele CA6513483.
Genomic context (GRCh38, chr12:40,274,940, plus strand): 5'-ATAGGATACTTGATTACAAAGAAGAATGTGTTCATAGGAACTGGACATCTGCTGGCAAAA[A>T]TTCTGGTTTCCAGCTTATACCGATTTAAGGATGTTGCTGAAATACAGACTAAAGTATGTG-3'
Protein context (NP_940980.4, residues 620-640): FIGTGHLLAK[Ile630Phe]LVSSLYRFKD